The following is an entry in ClinVar:

NM_015346.4(ZFYVE26):c.1980del (p.His661fs)

Gene: ZFYVE26 (zinc finger FYVE-type containing 26; minus strand). Cytogenetic location: 14q24.1.
Variant type: Deletion.
Coding change: c.1980del on transcript NM_015346.4 (MANE Select); coding-DNA position 1980, one base deleted (T; older notation c.1980delT).
Protein change: p.His661fs; shifts the reading frame from histidine 661.
Molecular consequence: frameshift variant.
Genome position (GRCh38, 1-based): chr14:67,798,282, A deleted on the plus strand (T on the coding strand, the reverse complement: ZFYVE26 is on the minus strand). VCF-style (leftmost placement, unchanged base first): chr14-67798281-GA-G. GRCh37 (hg19) VCF-style: chr14-68264998-GA-G.
Other names: short protein forms H661fs.
Identifiers: ClinVar variation 1725607 (VCV001725607.2), dbSNP rs2502856932, ClinGen allele CA2580088617.

ClinVar aggregate classification (germline): Likely pathogenic (1 of 4 stars; one submission).

Conditions:
Hereditary spastic paraplegia 15 (SPG15). Also called: SPASTIC PARAPLEGIA 15, AUTOSOMAL RECESSIVE; KJELLIN SYNDROME; SPASTIC PARAPLEGIA AND RETINAL DEGENERATION. Identifiers: Orphanet 100996, MedGen C1849128, MONDO:0010044, OMIM 270700.

Submission:

Myriad Genetics, Inc.
Classification: Likely pathogenic for Hereditary spastic paraplegia 15. Last evaluated: 2022-03-30. Review status: criteria provided, single submitter. Criteria: Myriad Women's Health Autosomal Recessive and X-Linked Classification Criteria (2021). Collection method: clinical testing. Allele origin: unknown.
Comment: NM_015346.3(ZFYVE26):c.1980delT(H661Ifs*8) is expected to be pathogenic in the context of spastic paraplegia type 15. This variant is predicted to lead to an abnormal or absent protein product due to the creation of a premature termination codon in ZFYVE26, a gene where loss-of-function variants are known to be pathogenic. Please note: this variant was assessed in the context of healthy population screening.